The following is an entry in ClinVar:

NM_017802.4(DNAAF5):c.933C>T (p.Asp311=)

Gene: DNAAF5 (dynein axonemal assembly factor 5; plus strand). Cytogenetic location: 7p22.3.
Variant type: single nucleotide variant.
Coding change: c.933C>T on transcript NM_017802.4 (MANE Select); coding-DNA position 933, C replaced by T.
Protein change: p.Asp311=; no amino-acid change (aspartic acid 311 retained).
Molecular consequence: synonymous variant. On other transcripts: non-coding transcript variant (1).
Genome position (GRCh38, 1-based): chr7:741,374, C>T. VCF-style: chr7-741374-C-T. GRCh37 (hg19) VCF-style: chr7-781011-C-T.
Identifiers: ClinVar variation 698461 (VCV000698461.14), dbSNP rs139879811, ClinGen allele CA4110539.
Genomic context (GRCh38, chr7:741,374, plus strand): 5'-CTGAGCCACTGTTGTCTGTCTGTTGTGCCTCAGGCAGCTGGCTGCCAGCCTCTGGGAGGA[C>T]GTTGGCCTGCAGTGGCAGAAGGAGAATGAGGAGGACCTGAAGGACAAGCTGGACTTTGCC-3'
Protein context (NP_060272.3, residues 301-321): VRQLAASLWE[Asp311=]VGLQWQKENE

ClinVar aggregate classification (germline): Likely benign. Review status: criteria provided, multiple submitters, no conflicts (2 of 4 stars). 3 submissions from 3 submitters: Likely benign (2). 1 of the submissions does not count toward it. Last evaluated 2025-12-24.

Conditions:
DNAAF5-related disorder. Also called: DNAAF5-related condition.
Primary ciliary dyskinesia. Also called: Ciliary dyskinesia. Identifiers: Orphanet 244, MedGen C0008780, MONDO:0016575, HP:0012265.

Allele frequency attached by ClinVar (database versions not stated): gnomAD exomes 0.00005 and 0.00010; ExAC 0.00018; gnomAD 0.00027 and 0.00031; TOPMed 0.00034; 1000 Genomes Project 0.00060; ESP Exome Variant Server 0.00062; 1000 Genomes Project 30x 0.00078.
gnomAD v4.1: 110 of 1,587,086 alleles (0.0069%); highest among the groups gnomAD compares: African/African-American, 0.1%; no homozygotes.

Submissions (3):

Labcorp Genetics (formerly Invitae), Labcorp
Classification: Likely benign for Primary ciliary dyskinesia. Last evaluated: 2025-12-24. Review status: criteria provided, single submitter. Criteria: Invitae Variant Classification Sherloc (09022015). Collection method: clinical testing. Allele origin: germline.

Ambry Genetics
Classification: Likely benign for Primary ciliary dyskinesia. Last evaluated: 2024-12-31. Review status: criteria provided, single submitter. Criteria: Ambry Variant Classification Scheme 2023. Collection method: clinical testing. Allele origin: germline.

PreventionGenetics, part of Exact Sciences
Classification: Likely benign for DNAAF5-related condition. Last evaluated: 2019-08-09. Review status: no assertion criteria provided. Collection method: clinical testing. Allele origin: germline. Not counted in ClinVar's aggregate classification.
Comment: This variant is classified as likely benign based on ACMG/AMP sequence variant interpretation guidelines (Richards et al. 2015 PMID: 25741868, with internal and published modifications).